The following is an entry in ClinVar:

ClinVar aggregate classification (germline): Uncertain significance (1 of 4 stars; one submission).

Conditions:
Autosomal dominant Parkinson disease 8. Also called: LRRK2-Related Parkinson Disease; Parkinson disease 8; Parkinson disease 8, susceptibility to. Identifiers: Orphanet 411602, MedGen C1846862, MONDO:0011764, OMIM 607060.

gnomAD v4.1: 1 of 1,614,060 alleles (0.000062%); no homozygotes.

Submission:

Labcorp Genetics (formerly Invitae), Labcorp
Classification: Uncertain significance for Autosomal dominant Parkinson disease 8. Last evaluated: 2023-03-11. Review status: criteria provided, single submitter. Criteria: Invitae Variant Classification Sherloc (09022015). Collection method: clinical testing. Allele origin: germline.
Comment: This variant has not been reported in the literature in individuals affected with LRRK2-related conditions. An algorithm developed to predict the effect of missense changes on protein structure and function (PolyPhen-2) suggests that this variant is likely to be tolerated. In summary, the available evidence is currently insufficient to determine the role of this variant in disease. Therefore, it has been classified as a Variant of Uncertain Significance. This sequence change replaces glutamine, which is neutral and polar, with histidine, which is basic and polar, at codon 7 of the LRRK2 protein (p.Gln7His). This variant is not present in population databases (gnomAD no frequency).

NM_198578.4(LRRK2):c.21G>T (p.Gln7His)

Gene: LRRK2 (leucine rich repeat kinase 2; plus strand). Cytogenetic location: 12q12.
Variant type: single nucleotide variant.
Coding change: c.21G>T on transcript NM_198578.4 (MANE Select); coding-DNA position 21, G replaced by T.
Protein change: p.Gln7His; replaces glutamine 7 with histidine.
Molecular consequence: missense variant.
Genome position (GRCh38, 1-based): chr12:40,225,152, G>T. VCF-style: chr12-40225152-G-T. GRCh37 (hg19) VCF-style: chr12-40618954-G-T.
Other names: short protein forms Q7H.
Identifiers: ClinVar variation 2844993 (VCV002844993.3), dbSNP rs2499329256, ClinGen allele CA384398261.
Genomic context (GRCh38, chr12:40,225,152, plus strand): 5'-TTCATGCTGGGAGGGCGGCGGGTTGGAAGCAGGTGCCACCATGGCTAGTGGCAGCTGTCA[G>T]GGGTGCGAAGAGGACGAGGAAACTCTGAAGAAGTTGATAGTCAGGCTGAACAATGTCCAG-3'
Protein context (NP_940980.4, residues 1-17): MASGSC[Gln7His]GCEEDEETLK